The following is an entry in ClinVar:

NM_198503.5(KCNT2):c.1826C>T (p.Ala609Val)

Gene: KCNT2 (potassium sodium-activated channel subfamily T member 2; minus strand). Cytogenetic location: 1q31.3.
Variant type: single nucleotide variant.
Coding change: c.1826C>T on transcript NM_198503.5 (MANE Select); coding-DNA position 1826, C replaced by T.
Protein change: p.Ala609Val; replaces alanine 609 with valine.
Molecular consequence: missense variant. On other transcripts: non-coding transcript variant (2).
Genome position (GRCh38, 1-based): chr1:196,334,018, G>A on the plus strand (C>T on the coding strand, the complement: KCNT2 is on the minus strand). VCF-style: chr1-196334018-G-A. GRCh37 (hg19) VCF-style: chr1-196303148-G-A.
Other names: c.1826C>T, p.Ala609Val (NM_001287819.3); c.1676C>T, p.Ala559Val (NM_001287820.3); short protein forms A559V, A609V.
Identifiers: ClinVar variation 4090766 (VCV004090766.2).

ClinVar aggregate classification (germline): Uncertain significance. Review status: criteria provided, multiple submitters, no conflicts (2 of 4 stars). 2 submissions from 2 submitters: Uncertain significance (2). Last evaluated 2025-12-01.

Conditions:
Inborn genetic diseases. Identifiers: MedGen C0950123, MeSH D030342.

Submissions (2):

Labcorp Genetics (formerly Invitae), Labcorp
Classification: Uncertain significance. Last evaluated: 2025-12-01. Review status: criteria provided, single submitter. Criteria: Invitae Variant Classification Sherloc (09022015). Collection method: clinical testing. Allele origin: germline.
Comment: This sequence change replaces alanine, which is neutral and non-polar, with valine, which is neutral and non-polar, at codon 609 of the KCNT2 protein (p.Ala609Val). This variant is not present in population databases (gnomAD no frequency). This variant has not been reported in the literature in individuals affected with KCNT2-related conditions. ClinVar contains an entry for this variant (Variation ID: 4090766). Invitae Evidence Modeling of protein sequence and biophysical properties (such as structural, functional, and spatial information, amino acid conservation, physicochemical variation, residue mobility, and thermodynamic stability) indicates that this missense variant is not expected to disrupt KCNT2 protein function with a negative predictive value of 95%. Algorithms developed to predict the effect of sequence changes on RNA splicing suggest that this variant may create or strengthen a splice site. In summary, the available evidence is currently insufficient to determine the role of this variant in disease. Therefore, it has been classified as a Variant of Uncertain Significance.

Ambry Genetics
Classification: Uncertain significance for Inborn genetic diseases. Last evaluated: 2025-08-26. Review status: criteria provided, single submitter. Criteria: Ambry Variant Classification Scheme 2023. Collection method: clinical testing. Allele origin: germline.